The following is an entry in ClinVar:

ClinVar aggregate classification (germline): Uncertain significance (1 of 4 stars; one submission).

gnomAD v4.1: 9 of 1,608,640 alleles (0.00056%); highest among the groups gnomAD compares: Non-Finnish European, 0.00076%; no homozygotes.

Submission:

Ambry Genetics
Classification: Uncertain significance. Last evaluated: 2025-01-14. Review status: criteria provided, single submitter. Criteria: Ambry Variant Classification Scheme 2023. Collection method: clinical testing. Allele origin: germline.
Comment: The p.V1451M variant (also known as c.4351G>A), located in coding exon 19 of the WNK2 gene, results from a G to A substitution at nucleotide position 4351. The valine at codon 1451 is replaced by methionine, an amino acid with highly similar properties. This amino acid position is conserved. In addition, this alteration is predicted to be tolerated by in silico analysis. Based on the available evidence, the clinical significance of this variant remains unclear.

NM_006648.4(WNK2):c.4351G>A (p.Val1451Met)

Gene: WNK2 (WNK lysine deficient protein kinase 2; plus strand). Cytogenetic location: 9q22.31.
Variant type: single nucleotide variant.
Coding change: c.4351G>A on transcript NM_006648.4 (MANE Select); coding-DNA position 4351, G replaced by A.
Protein change: p.Val1451Met; replaces valine 1451 with methionine.
Molecular consequence: missense variant.
Genome position (GRCh38, 1-based): chr9:93,289,105, G>A. VCF-style: chr9-93289105-G-A. GRCh37 (hg19) VCF-style: chr9-96051387-G-A.
Other names: c.4462G>A, p.Val1488Met (NM_001282394.3); short protein forms V1451M, V1488M.
Identifiers: ClinVar variation 3816843 (VCV003816843.1).